The following is an entry in ClinVar:

ClinVar aggregate classification (germline): Pathogenic (1 of 4 stars; one submission).

Submission:

Labcorp Genetics (formerly Invitae), Labcorp
Classification: Pathogenic. Last evaluated: 2022-12-25. Review status: criteria provided, single submitter. Criteria: Invitae Variant Classification Sherloc (09022015). Collection method: clinical testing. Allele origin: germline.
Comment: For these reasons, this variant has been classified as Pathogenic. This variant has not been reported in the literature in individuals affected with SLC26A3-related conditions. This variant is not present in population databases (gnomAD no frequency). This sequence change creates a premature translational stop signal (p.Ile114Thrfs*18) in the SLC26A3 gene. It is expected to result in an absent or disrupted protein product. Loss-of-function variants in SLC26A3 are known to be pathogenic (PMID: 9718329, 21394828).

Literature cited by the submitters: PubMed 9718329; PubMed 21394828.

NM_000111.3(SLC26A3):c.341_347del (p.Ile114fs)

Gene: SLC26A3 (solute carrier family 26 member 3; minus strand). Cytogenetic location: 7q22.3.
Variant type: Deletion.
Coding change: c.341_347del on transcript NM_000111.3 (MANE Select); coding-DNA positions 341 to 347, 7 bases deleted (TAATCTA; older notation c.341_347delTAATCTA).
Protein change: p.Ile114fs; shifts the reading frame from isoleucine 114.
Molecular consequence: frameshift variant.
Genome position (GRCh38, 1-based): chr7:107,791,865-107,791,871, TAGATTA deleted on the plus strand (TAATCTA on the coding strand, the reverse complement: SLC26A3 is on the minus strand); deleting any 7 consecutive bases within chr7:107,791,865-107,791,872 gives the same sequence; the c. name uses the placement nearest the transcript's 3' end. VCF-style (leftmost placement, unchanged base first): chr7-107791864-GTAGATTA-G. GRCh37 (hg19) VCF-style: chr7-107432309-GTAGATTA-G.
Other names: short protein forms I114fs.
Identifiers: ClinVar variation 2871594 (VCV002871594.3), dbSNP rs2535474668, ClinGen allele CA2739278283.